The following is an entry in ClinVar:

ClinVar aggregate classification (germline): Conflicting classifications of pathogenicity. Review status: criteria provided, conflicting classifications (1 of 4 stars). 2 submissions from 2 submitters: Uncertain significance (1); Likely benign (1). Last evaluated 2025-09-02.

Conditions:
Congenital contractural arachnodactyly (CCA). Also called: BEALS SYNDROME; Beals-Hecht syndrome; Arthrogryposis, distal, type 9. Identifiers: Orphanet 115, MedGen C0220668, MONDO:0007363, OMIM 121050.

Allele frequency attached by ClinVar (database versions not stated): gnomAD exomes below 0.00001; gnomAD 0.00001.
gnomAD v4.1: 3 of 1,613,606 alleles (0.00019%); highest among the groups gnomAD compares: Non-Finnish European, 0.00025%; 1 homozygote.

Submissions (2):

Labcorp Genetics (formerly Invitae), Labcorp
Classification: Likely benign for Congenital contractural arachnodactyly. Last evaluated: 2025-09-02. Review status: criteria provided, single submitter. Criteria: Invitae Variant Classification Sherloc (09022015). Collection method: clinical testing. Allele origin: germline.

GeneDx
Classification: Uncertain significance. Last evaluated: 2017-05-03. Review status: criteria provided, single submitter. Criteria: GeneDx Variant Classification (06012015). Collection method: clinical testing. Allele origin: germline. Affected: yes.
Comment: The c.6093 C>G variant in the FBN2 gene has not been reported previously as a pathogenic variant, nor as a benign variant, to our knowledge. The c.6093 C>G variant is not observed in large population cohorts (Lek et al., 2016; 1000 Genomes Consortium et al., 2015; Exome Variant Server). In-silico splice prediction models predict that c.6093 C>G may create or strengthen a cryptic splice donor site in exon 48, which may supplant the natural donor site. However, in the absence of RNA/functional studies, the actual effect of the c.6093 C>G change in this individual is unknown. We interpret c.6093 C>G as a variant of uncertain significance.

NM_001999.4(FBN2):c.6093C>G (p.Thr2031=)

Gene: FBN2 (fibrillin 2; minus strand). Cytogenetic location: 5q23.3.
Variant type: single nucleotide variant.
Coding change: c.6093C>G on transcript NM_001999.4 (MANE Select); coding-DNA position 6093, C replaced by G.
Protein change: p.Thr2031=; no amino-acid change (threonine 2031 retained).
Molecular consequence: synonymous variant.
Genome position (GRCh38, 1-based): chr5:128,300,890, G>C on the plus strand (C>G on the coding strand, the complement: FBN2 is on the minus strand). VCF-style: chr5-128300890-G-C. GRCh37 (hg19) VCF-style: chr5-127636582-G-C.
Identifiers: ClinVar variation 429275 (VCV000429275.7), dbSNP rs1131691293, ClinGen allele CA446309260.
Genomic context (GRCh38, chr5:128,300,890, plus strand): 5'-GCTTTTTACTTCATACCCTGGGGGACAGATGCATCTGAAGGATCCCTCCAAATTCTGACA[G>C]GTACCAGGAGAGCAAGAGCCGGGAAGGGCGACACACTCATTAGTGTCTTTAGAGAAAAAG-3'
Protein context (NP_001990.2, residues 2021-2041): VALPGSCSPG[Thr2031=]CQNLEGSFRC